The following is an entry in ClinVar:

Single allele

Genes: IL17REL (interleukin 17 receptor E like; minus strand), KLHDC7B (kelch domain containing 7B; plus strand), LMF2 (lipase maturation factor 2; minus strand), MAPK11 (mitogen-activated protein kinase 11; minus strand), MIOX (myo-inositol oxygenase; plus strand) and 31 more. Cytogenetic location: 22q13.32-13.33.
Variant type: Deletion.
Identifiers: ClinVar variation 4849594 (VCV004849594.1).

ClinVar aggregate classification (germline): Likely pathogenic (1 of 4 stars; one submission).

Conditions:
Phelan-McDermid syndrome. Also called: TELOMERIC 22q13 MONOSOMY SYNDROME; 22q13.3 deletion syndrome; Phelan-McDermid Syndrome-SHANK3 Related. Identifiers: Orphanet 48652, MedGen C1853490, MONDO:0011652, OMIM 606232.

Submission:

Service of Pediatric Gastrohepatology and Metabolic Diseases, University of Medicine of Tirana
Classification: Likely pathogenic for Phelan-McDermid syndrome. Last evaluated: 2026-04-29. Review status: criteria provided, single submitter. Criteria: ACMG Guidelines, 2015. Collection method: clinical testing. Allele origin: germline. Inheritance: Autosomal dominant inheritance. Affected: yes. Observed: 1 variant allele.
Comment: The chr22:48660023-51197766 deletion was classified as Likely pathogenic using ACMG/ClinGen CNV/SV 2019 technical standards (PMID:31690835), with ACMG/AMP 2015 considered where applicable. The event overlaps the 22q13.32-q13.33/Phelan-McDermid region, and the rationale includes dosage-sensitive gene content, size, rarity, and phenotype concordance with OMIM:606232.